The following is an entry in ClinVar:

ClinVar aggregate classification (germline): Likely benign (1 of 4 stars; one submission).

Allele frequency attached by ClinVar (database versions not stated): gnomAD 0.00008.

Submission:

CeGaT Center for Human Genetics Tuebingen
Classification: Likely benign. Last evaluated: 2026-02-01. Review status: criteria provided, single submitter. Criteria: CeGaT Center For Human Genetics Tuebingen Variant Classification Criteria Version 2. Collection method: clinical testing. Allele origin: germline. Affected: yes. Observed: 14 variant alleles.
Comment: FMR1: BS2

NM_002024.6(FMR1):c.-111C>A

Genes: FMR1 (fragile X messenger ribonucleoprotein 1; plus strand), FRAXA (fragile site, folic acid type, rare, fra(X)(q27.3) A; plus strand), LOC107032825 (origin of replication in 5' region of FMR1; plus strand), LOC129929053 (ATAC-STARR-seq lymphoblastoid silent region 21039; plus strand). Cytogenetic location: Xq27.3.
Variant type: single nucleotide variant.
Coding change: c.-111C>A on transcript NM_002024.6 (MANE Select); 111 bases upstream of the start codon, C replaced by A.
Molecular consequence: 5 prime UTR variant. On other transcripts: non-coding transcript variant (2).
Genome position (GRCh38, 1-based): chrX:147,912,069, C>A. VCF-style: chrX-147912069-C-A. GRCh37 (hg19) VCF-style: chrX-146993587-C-A.
Other names: c.-111C>A (NM_001185075.2, NM_001185076.2, NM_001185081.2 and 1 more transcripts).
Identifiers: ClinVar variation 2579107 (VCV002579107.23), dbSNP rs868926853, ClinGen allele CA519047064.